The following is an entry in ClinVar:

ClinVar aggregate classification (germline): Benign. Review status: criteria provided, multiple submitters, no conflicts (2 of 4 stars). 10 submissions from 9 submitters: Benign (8). 2 of the submissions do not count toward it. Last evaluated 2026-01-31.

Conditions:
Neuronopathy, distal hereditary motor, type 7B. Also called: NEURONOPATHY, DISTAL HEREDITARY MOTOR, AUTOSOMAL DOMINANT 14; NEURONOPATHY, DISTAL HEREDITARY MOTOR, HARDING TYPE VIIB; NEUROPATHY, DISTAL HEREDITARY MOTOR, HARDING TYPE VIIB; NEUROPATHY, DISTAL HEREDITARY MOTOR, WITH VOCAL CORD PARALYSIS, HARDING TYPE VIIB; Distal Hereditary Motor Neuronopathy Type 7B (dHMN7B); HMN VIIB. Identifiers: Orphanet 139589, MedGen C1843315, MONDO:0011879, OMIM 607641.
Perry syndrome. Also called: PARKINSONISM WITH ALVEOLAR HYPOVENTILATION AND MENTAL DEPRESSION. Identifiers: Orphanet 178509, MedGen C1868594, MONDO:0008201, OMIM 168605.
Amyotrophic lateral sclerosis type 1 (ALS1). Also called: AMYOTROPHIC LATERAL SCLEROSIS 1, FAMILIAL. Identifiers: Orphanet 803, MedGen C1862939, MONDO:0007103, OMIM 105400.

Allele frequency attached by ClinVar (database versions not stated): gnomAD 0.03855; TOPMed 0.04470; 1000 Genomes Project 0.04573; 1000 Genomes Project 30x 0.04653; ESP Exome Variant Server 0.04690.
gnomAD v4.1: 11,929 of 1,614,164 alleles (0.74%); highest among the groups gnomAD compares: African/African-American, 14%; 783 homozygotes.

Submissions (10):

Labcorp Genetics (formerly Invitae), Labcorp
Classification: Benign for Amyotrophic lateral sclerosis type 1; Neuronopathy, distal hereditary motor, type 7B; Perry syndrome. Last evaluated: 2026-01-31. Review status: criteria provided, single submitter. Criteria: Invitae Variant Classification Sherloc (09022015). Collection method: clinical testing. Allele origin: germline.

Athena Diagnostics
Classification: Benign. Last evaluated: 2025-01-03. Review status: criteria provided, single submitter. Criteria: Athena Diagnostics Criteria. Collection method: clinical testing. Allele origin: unknown.
Comment: The frequency of this variant in the general population is higher than would generally be expected for pathogenic variants in this gene.

Illumina Laboratory Services, Illumina
Classification: Benign for Neuronopathy, distal hereditary motor, type 7B. Last evaluated: 2018-01-12. Review status: criteria provided, single submitter. Criteria: ICSL Variant Classification Criteria 13 December 2019. Collection method: clinical testing. Allele origin: germline.
Comment: This variant was observed in the ICSL laboratory as part of a predisposition screen in an ostensibly healthy population. It had not been previously curated by ICSL or reported in the Human Gene Mutation Database (HGMD: prior to June 1st, 2018), and was therefore a candidate for classification through an automated scoring system. Utilizing variant allele frequency, disease prevalence and penetrance estimates, and inheritance mode, an automated score was calculated to assess if this variant is too frequent to cause the disease. Based on the score and internal cut-off values, a variant classified as benign is not then subjected to further curation. The score for this variant resulted in a classification of benign for this disease.

Illumina Laboratory Services, Illumina
Classification: Benign for Perry syndrome. Last evaluated: 2018-01-12. Review status: criteria provided, single submitter. Criteria: ICSL Variant Classification Criteria 13 December 2019. Collection method: clinical testing. Allele origin: germline.
Comment: the same text as in the submission from Illumina Laboratory Services, Illumina above.

Mayo Clinic Laboratories, Mayo Clinic
Classification: Benign. Last evaluated: 2016-06-13. Review status: criteria provided, single submitter. Criteria: ACMG Guidelines, 2015. Collection method: clinical testing. Allele origin: germline. Observed: 26 variant alleles.

GeneDx
Classification: Benign. Last evaluated: 2015-03-03. Review status: criteria provided, single submitter. Criteria: GeneDx Variant Classification Process June 2021. Collection method: clinical testing. Allele origin: germline. Affected: yes.

Breakthrough Genomics
Classification: Benign. Review status: criteria provided, single submitter. Criteria: ACMG Guidelines, 2015. Collection method: not provided. Allele origin: germline. Inheritance: Autosomal recessive inheritance. Affected: yes.

PreventionGenetics, part of Exact Sciences
Classification: Benign. Review status: criteria provided, single submitter. Criteria: ACMG Guidelines, 2015. Collection method: clinical testing. Allele origin: germline.

Clinical Genetics DNA and cytogenetics Diagnostics Lab, Erasmus MC, Erasmus Medical Center
Classification: Benign. Review status: no assertion criteria provided. Collection method: clinical testing. Allele origin: germline. Affected: yes. Study: VKGL Data-share Consensus. Not counted in ClinVar's aggregate classification.

Clinical Genetics, Academic Medical Center
Classification: Benign. Review status: no assertion criteria provided. Collection method: clinical testing. Allele origin: germline. Affected: yes. Study: VKGL Data-share Consensus. Not counted in ClinVar's aggregate classification.

NM_004082.5(DCTN1):c.859C>A (p.Leu287Met)

Gene: DCTN1 (dynactin subunit 1; minus strand). Cytogenetic location: 2p13.1.
Variant type: single nucleotide variant.
Coding change: c.859C>A on transcript NM_004082.5 (MANE Select); coding-DNA position 859, C replaced by A.
Protein change: p.Leu287Met; replaces leucine 287 with methionine.
Molecular consequence: missense variant. On other transcripts: non-coding transcript variant (1).
Genome position (GRCh38, 1-based): chr2:74,370,810, G>T on the plus strand (C>A on the coding strand, the complement: DCTN1 is on the minus strand). VCF-style: chr2-74370810-G-T. GRCh37 (hg19) VCF-style: chr2-74597937-G-T.
Other names: c.799C>A, p.Leu267Met (NM_001135040.3); c.457C>A, p.Leu153Met (NM_001135041.3, NM_023019.4); c.748C>A, p.Leu250Met (NM_001190836.2); c.838C>A, p.Leu280Met (NM_001190837.2); c.808C>A, p.Leu270Met (NM_001378991.1); c.790C>A, p.Leu264Met (NM_001378992.1); short protein forms L153M, L250M, L287M, L267M, L280M, L264M, L270M.
Identifiers: ClinVar variation 259241 (VCV000259241.24), dbSNP rs13420401, ClinGen allele CA1722288.
Genomic context (GRCh38, chr2:74,370,810, plus strand): 5'-CCATCTCAATGGCATCAGCAGTATCAGCCATCTCCTCCATATAGCGTTCCTTTGCCTCCA[G>T]CGCCTCCTTGGCTTCCTGAGGAAGAAGTGGAGGTGGGAGGGGGTACCAGCACAGAGATGC-3'
Protein context (NP_004073.2, residues 277-297): KEARKEAKEA[Leu287Met]EAKERYMEEM